The following is an entry in ClinVar:

ClinVar aggregate classification (germline): Uncertain significance. Review status: criteria provided, multiple submitters, no conflicts (2 of 4 stars). 3 submissions from 3 submitters: Uncertain significance (2). 1 of the submissions does not count toward it. Last evaluated 2024-08-04.

Conditions:
IFT172-related disorder. Also called: IFT172-related condition; IFT172-related disorders.
Inborn genetic diseases. Identifiers: MedGen C0950123, MeSH D030342.

gnomAD v4.1: 7 of 1,614,040 alleles (0.00043%); highest among the groups gnomAD compares: Non-Finnish European, 0.00059%; no homozygotes.

Submissions (3):

Ambry Genetics
Classification: Uncertain significance for Inborn genetic diseases. Last evaluated: 2024-08-04. Review status: criteria provided, single submitter. Criteria: Ambry Variant Classification Scheme 2023. Collection method: clinical testing. Allele origin: germline.

Blueprint Genetics
Classification: Uncertain significance. Last evaluated: 2023-03-30. Review status: criteria provided, single submitter. Criteria: ACMG Guidelines, 2015. Collection method: clinical testing. Allele origin: germline.

PreventionGenetics, part of Exact Sciences
Classification: Uncertain significance for IFT172-related condition. Last evaluated: 2023-12-14. Review status: no assertion criteria provided. Collection method: clinical testing. Allele origin: germline. Not counted in ClinVar's aggregate classification.
Comment: The IFT172 c.2045A>C variant is predicted to result in the amino acid substitution p.Tyr682Ser. To our knowledge, this variant has not been reported in the literature. This variant is reported in 0.00088% of alleles in individuals of European (Non-Finnish) descent in gnomAD. At this time, the clinical significance of this variant is uncertain due to the absence of conclusive functional and genetic evidence.

NM_015662.3(IFT172):c.2045A>C (p.Tyr682Ser)

Gene: IFT172 (intraflagellar transport 172; minus strand). Cytogenetic location: 2p23.3.
Variant type: single nucleotide variant.
Coding change: c.2045A>C on transcript NM_015662.3 (MANE Select); coding-DNA position 2045, A replaced by C.
Protein change: p.Tyr682Ser; replaces tyrosine 682 with serine.
Molecular consequence: missense variant.
Genome position (GRCh38, 1-based): chr2:27,462,771, T>G on the plus strand (A>C on the coding strand, the complement: IFT172 is on the minus strand). VCF-style: chr2-27462771-T-G. GRCh37 (hg19) VCF-style: chr2-27685638-T-G.
Other names: c.1979A>C, p.Tyr660Ser (NM_001410739.1); c.2045A>C (NM_015662.1); short protein forms Y660S, Y682S.
Identifiers: ClinVar variation 3357425 (VCV003357425.3).